The following is an entry in ClinVar:

ClinVar aggregate classification (germline): Uncertain significance (1 of 4 stars; one submission).

Conditions:
Cardiovascular phenotype. Identifiers: MedGen CN230736.

Allele frequency attached by ClinVar (database versions not stated): gnomAD exomes below 0.00001.
gnomAD v4.1: 3 of 1,604,514 alleles (0.00019%); highest among the groups gnomAD compares: Non-Finnish European, 0.00026%; no homozygotes.

Submission:

Ambry Genetics
Classification: Uncertain significance for Cardiovascular phenotype. Last evaluated: 2024-06-21. Review status: criteria provided, single submitter. Criteria: Ambry Variant Classification Scheme 2023. Collection method: clinical testing. Allele origin: germline.
Comment: The p.V141A variant (also known as c.422T>C), located in coding exon 4 of the TECRL gene, results from a T to C substitution at nucleotide position 422. The valine at codon 141 is replaced by alanine, an amino acid with similar properties. This amino acid position is highly conserved in available vertebrate species. In addition, the in silico prediction for this alteration is inconclusive. Since supporting evidence is limited at this time, the clinical significance of this alteration remains unclear.

NM_001010874.5(TECRL):c.422T>C (p.Val141Ala)

Gene: TECRL (trans-2,3-enoyl-CoA reductase like; minus strand). Cytogenetic location: 4q13.1.
Variant type: single nucleotide variant.
Coding change: c.422T>C on transcript NM_001010874.5 (MANE Select); coding-DNA position 422, T replaced by C.
Protein change: p.Val141Ala; replaces valine 141 with alanine.
Molecular consequence: missense variant.
Genome position (GRCh38, 1-based): chr4:64,322,702, A>G on the plus strand (T>C on the coding strand, the complement: TECRL is on the minus strand). VCF-style: chr4-64322702-A-G. GRCh37 (hg19) VCF-style: chr4-65188420-A-G.
Other names: c.422T>C, p.Val141Ala (NM_001363796.1); short protein forms V141A.
Identifiers: ClinVar variation 1738899 (VCV001738899.3), dbSNP rs2476140011, ClinGen allele CA357144714.